The following is an entry in ClinVar:

ClinVar aggregate classification (germline): Uncertain significance (1 of 4 stars; one submission).

Conditions:
Cardiac valvular dysplasia, X-linked (CVDPX). Also called: FLNA-Related X-linked Cardiac Valvular Dysplasia; MYXOMATOUS VALVULAR DYSTROPHY, X-LINKED; VALVULAR HEART DISEASE, CONGENITAL; Congenital valvular dysplasia; Isolated X-Linked Cardiac Valvular Dysplasia. Identifiers: Orphanet 1864, Orphanet 555877, Orphanet 75497, MedGen C0262436, MONDO:0010753, OMIM 314400.
Melnick-Needles syndrome (MNS). Also called: Melnick-Needles Syndrome (FLNA-MNS); MELNICK-NEEDLES OSTEODYSPLASTY; OSTEODYSPLASTY OF MELNICK AND NEEDLES. Identifiers: Orphanet 2484, MedGen C0025237, MONDO:0010650, OMIM 309350.
Frontometaphyseal dysplasia 1 (FMD1). Also called: Frontometaphyseal Dysplasia (FLNA-FMD). Identifiers: Orphanet 1826, MedGen C4281559, MONDO:0024550, OMIM 305620.
FG syndrome 2 (FGS2). Identifiers: MedGen C1845902, MONDO:0010297, OMIM 300321.
Oto-palato-digital syndrome, type I (OPD1). Also called: Otopalatodigital Syndrome Type 1 (FLNA-OPD1); OPD I SYNDROME; OPD SYNDROME 1; Taybi syndrome; Otopalatodigital Syndrome, Type I. Identifiers: Orphanet 669, Orphanet 90650, MedGen C0265251, MONDO:0010704, OMIM 311300.
Oto-palato-digital syndrome, type II (OPD2). Also called: Otopalatodigital Syndrome Type 2 (FLNA-OPD2); FACIOPALATOOSSEOUS SYNDROME; OPD II SYNDROME; Otopalatodigital Syndrome, Type II. Identifiers: Orphanet 669, Orphanet 90652, MedGen C1844696, MONDO:0010571, OMIM 304120.
Heterotopia, periventricular, X-linked dominant (PVNH1). Also called: PERIVENTRICULAR NODULAR HETEROTOPIA 1; X-linked periventricular heterotopia; PERIVENTRICULAR NODULAR HETEROTOPIA 4; HETEROTOPIA, PERIVENTRICULAR, 1. Identifiers: Orphanet 2149, Orphanet 82004, MedGen C1848213, MONDO:0010233, OMIM 300049.
Intestinal pseudoobstruction, neuronal, chronic idiopathic, X-linked (CIIPX). Also called: CONGENITAL IDIOPATHIC INTESTINAL PSEUDOOBSTRUCTION; INTESTINAL PSEUDOOBSTRUCTION, NEURONAL, CHRONIC IDIOPATHIC, WITH CENTRAL NERVOUS SYSTEM INVOLVEMENT; FLNA-Related Periventricular Nodular Heterotopia (FLNA-Related PVNH; Huttenlocher Syndrome). Identifiers: Orphanet 2301, MedGen C2746068, MONDO:0010232, OMIM 300048.
Terminal osseous dysplasia-pigmentary defects syndrome. Also called: ODPF SYNDROME; OSSEOUS DYSPLASIA, DIGITAL, WITH FACIAL PIGMENTARY DEFECTS AND MULTIPLE FRENULA; ODPD; TERMINAL OSSEOUS DYSPLASIA AND PIGMENTARY DEFECTS; Terminal Osseous Dysplasia (FLNA-TOD). Identifiers: Orphanet 88630, MedGen C1846129, MONDO:0010279, OMIM 300244.

Submission:

Diagnostics Services (NGS), CSIR - Centre For Cellular And Molecular Biology
Classification: Uncertain significance for Heterotopia, periventricular, X-linked dominant; FG syndrome 2; Frontometaphyseal dysplasia 1; Melnick-Needles syndrome; Oto-palato-digital syndrome, type I; Oto-palato-digital syndrome, type II; Intestinal pseudoobstruction, neuronal, chronic idiopathic, X-linked; Terminal osseous dysplasia-pigmentary defects syndrome; Cardiac valvular dysplasia, X-linked. Last evaluated: 2024-10-17. Review status: criteria provided, single submitter. Criteria: ACMG Guidelines, 2015. Collection method: clinical testing. Allele origin: germline. Affected: yes. Observed: 1 variant allele, 1 hemizygote.
Comment: The c.289C>T variant is not present in publicly available population databases like 1000 Genomes, EVS, ExAC, gnomAD, Indian Exome Database or our in-house exome database. This variant has been previously observed in a patient affected with periventricular nodular heterotopia [PMID: 26471271] and reported to the Human Genome Mutation Database (HGMD ID- CM1511624). In-silico pathogenicity prediction programs like SIFT, MutationTaster2, CADD etc predicted this variant to be likely deleterious, however these predictions were not confirmed by published functional studies. This variant is located in a mutational hotspot region of the gene.

Literature cited by the submitters: PubMed 26471271.

NM_001110556.2(FLNA):c.289C>T (p.Pro97Ser)

Gene: FLNA (filamin A; minus strand). Cytogenetic location: Xq28.
Variant type: single nucleotide variant.
Coding change: c.289C>T on transcript NM_001110556.2 (MANE Select); coding-DNA position 289, C replaced by T.
Protein change: p.Pro97Ser; replaces proline 97 with serine.
Molecular consequence: missense variant.
Genome position (GRCh38, 1-based): chrX:154,370,957, G>A on the plus strand (C>T on the coding strand, the complement: FLNA is on the minus strand). VCF-style: chrX-154370957-G-A. GRCh37 (hg19) VCF-style: chrX-153599325-G-A.
Other names: c.289C>T, p.Pro97Ser (NM_001456.4); short protein forms P97S.
Identifiers: ClinVar variation 3367185 (VCV003367185.1).
Genomic context (GRCh38, chrX:154,370,957, plus strand): 5'-CGCGGTCCAGGAACTCGAGCGCCACCGACACGTTCTCAAGCTGCATTTGGCGGAAAGTGG[G>A]CCGCTGGTTGTGCTTGCGGTGCATCTTCTTCTGGCTGAGCACCTCCAACAGCGCGATAAG-3'
Protein context (NP_001104026.1, residues 87-107): KKMHRKHNQR[Pro97Ser]TFRQMQLENV